The following is an entry in ClinVar:

NM_002485.5(NBN):c.194T>A (p.Val65Glu)

Gene: NBN (nibrin; minus strand). Cytogenetic location: 8q21.3.
Variant type: single nucleotide variant.
Coding change: c.194T>A on transcript NM_002485.5 (MANE Select); coding-DNA position 194, T replaced by A.
Protein change: p.Val65Glu; replaces valine 65 with glutamic acid.
Molecular consequence: missense variant. On other transcripts: 5 prime UTR variant (1).
Genome position (GRCh38, 1-based): chr8:89,981,501, A>T on the plus strand (T>A on the coding strand, the complement: NBN is on the minus strand). VCF-style: chr8-89981501-A-T. GRCh37 (hg19) VCF-style: chr8-90993729-A-T.
Other names: c.-53T>A (NM_001024688.3); short protein forms V65E.
Identifiers: ClinVar variation 577854 (VCV000577854.17), dbSNP rs1563581457, ClinGen allele CA371662597.

ClinVar aggregate classification (germline): Uncertain significance. Review status: criteria provided, multiple submitters, no conflicts (2 of 4 stars). 4 submissions from 4 submitters: Uncertain significance (3). 1 of the submissions does not count toward it. Last evaluated 2025-03-04.

Conditions:
Aplastic anemia. Identifiers: Orphanet 182040, Orphanet 88, MedGen C0002874, MONDO:0015909, OMIM 609135, HP:0001915.
Microcephaly, normal intelligence and immunodeficiency (NBS). Also called: BERLIN BREAKAGE SYNDROME; SEEMANOVA SYNDROME II; Ataxia telangiectasia variant V1; IMMUNODEFICIENCY, MICROCEPHALY, AND CHROMOSOMAL INSTABILITY; Immunodeficiency, microcephaly with normal intelligence; Nijmegen breakage syndrome. Identifiers: Orphanet 647, MedGen C0398791, MONDO:0009623, OMIM 251260.
Hereditary cancer-predisposing syndrome. Also called: Hereditary neoplastic syndrome; Tumor predisposition; Hereditary Cancer Syndrome; Neoplastic Syndromes, Hereditary. Identifiers: Orphanet 140162, MedGen C0027672, MeSH D009386, MONDO:0015356.

Allele frequency attached by ClinVar (database versions not stated): TOPMed below 0.00001.

Submissions (4):

Ambry Genetics
Classification: Uncertain significance for Hereditary cancer-predisposing syndrome. Last evaluated: 2025-03-04. Review status: criteria provided, single submitter. Criteria: Ambry Variant Classification Scheme 2023. Collection method: clinical testing. Allele origin: germline.
Comment: The p.V65E variant (also known as c.194T>A), located in coding exon 3 of the NBN gene, results from a T to A substitution at nucleotide position 194. The valine at codon 65 is replaced by glutamic acid, an amino acid with dissimilar properties. This amino acid position is not well conserved in available vertebrate species. In addition, this alteration is predicted to be tolerated by in silico analysis. Since supporting evidence is limited at this time, the clinical significance of this alteration remains unclear.

Baylor Genetics
Classification: Uncertain significance for Aplastic anemia. Last evaluated: 2024-01-22. Review status: criteria provided, single submitter. Criteria: ACMG Guidelines, 2015. Collection method: clinical testing. Allele origin: unknown.

Labcorp Genetics (formerly Invitae), Labcorp
Classification: Uncertain significance for Microcephaly, normal intelligence and immunodeficiency. Last evaluated: 2023-08-17. Review status: criteria provided, single submitter. Criteria: Invitae Variant Classification Sherloc (09022015). Collection method: clinical testing. Allele origin: germline.
Comment: In summary, the available evidence is currently insufficient to determine the role of this variant in disease. Therefore, it has been classified as a Variant of Uncertain Significance. An algorithm developed to predict the effect of missense changes on protein structure and function (PolyPhen-2) suggests that this variant is likely to be tolerated. ClinVar contains an entry for this variant (Variation ID: 577854). This variant has not been reported in the literature in individuals affected with NBN-related conditions. This variant is not present in population databases (gnomAD no frequency). This sequence change replaces valine, which is neutral and non-polar, with glutamic acid, which is acidic and polar, at codon 65 of the NBN protein (p.Val65Glu).

Natera, Inc.
Classification: Uncertain significance for Nijmegen breakage syndrome. Last evaluated: 2020-03-17. Review status: no assertion criteria provided. Collection method: clinical testing. Allele origin: germline. Not counted in ClinVar's aggregate classification.